The following is an entry in ClinVar:

ClinVar aggregate classification (germline): Uncertain significance (1 of 4 stars; one submission).

Submission:

GeneDx
Classification: Uncertain significance. Last evaluated: 2025-02-12. Review status: criteria provided, single submitter. Criteria: GeneDx Variant Classification Process June 2021. Collection method: clinical testing. Allele origin: germline. Affected: yes.
Comment: Not observed at significant frequency in large population cohorts (gnomAD); In silico analysis supports that this missense variant has a deleterious effect on protein structure/function; Has not been previously published as pathogenic or benign to our knowledge; This variant is associated with the following publications: (PMID: 27721487)

NM_016222.4(DDX41):c.561G>T (p.Lys187Asn)

Gene: DDX41 (DEAD-box helicase 41; minus strand). Cytogenetic location: 5q35.3.
Variant type: single nucleotide variant.
Coding change: c.561G>T on transcript NM_016222.4 (MANE Select); coding-DNA position 561, G replaced by T.
Protein change: p.Lys187Asn; replaces lysine 187 with asparagine.
Molecular consequence: missense variant.
Genome position (GRCh38, 1-based): chr5:177,515,695, C>A on the plus strand (G>T on the coding strand, the complement: DDX41 is on the minus strand). VCF-style: chr5-177515695-C-A. GRCh37 (hg19) VCF-style: chr5-176942696-C-A.
Other names: c.183G>T, p.Lys61Asn (NM_001321732.2, NM_001321830.2); short protein forms K187N, K61N.
Identifiers: ClinVar variation 4075658 (VCV004075658.1).
Genomic context (GRCh38, chr5:177,515,695, plus strand): 5'-ACAGGCATTTGATTATAAAAGTGTGGTATCTCTCTCCAGCCCCTGACTACCTGCAGGAAA[C>A]TTCATTTCCTTGAAGCTCTTGATGGGTGGTGGGATACCGTCTCCCTCCACCAGGATGTGG-3'
Protein context (NP_057306.2, residues 177-197): PPPIKSFKEM[Lys187Asn]FPAAILRGLK